The following is an entry in ClinVar:

ClinVar aggregate classification (germline): Benign. Review status: criteria provided, multiple submitters, no conflicts (2 of 4 stars). 4 submissions from 4 submitters: Benign (3). 1 of the submissions does not count toward it. Last evaluated 2026-01-26.

Conditions:
LAMB1-related disorder. Also called: LAMB1-related condition.

Allele frequency attached by ClinVar (database versions not stated): gnomAD exomes 0.00136 and 0.00312; ExAC 0.00388; 1000 Genomes Project 0.01198; ESP Exome Variant Server 0.01223; gnomAD 0.01248 and 0.01336; 1000 Genomes Project 30x 0.01296; TOPMed 0.01444.
gnomAD v4.1: 3,978 of 1,609,100 alleles (0.25%); highest among the groups gnomAD compares: African/African-American, 4.2%; 70 homozygotes.

Submissions (4):

Labcorp Genetics (formerly Invitae), Labcorp
Classification: Benign. Last evaluated: 2026-01-26. Review status: criteria provided, single submitter. Criteria: Invitae Variant Classification Sherloc (09022015). Collection method: clinical testing. Allele origin: germline.

GeneDx
Classification: Benign. Last evaluated: 2017-05-08. Review status: criteria provided, single submitter. Criteria: GeneDx Variant Classification (06012015). Collection method: clinical testing. Allele origin: germline. Affected: yes.
Comment: This variant is considered likely benign or benign based on one or more of the following criteria: it is a conservative change, it occurs at a poorly conserved position in the protein, it is predicted to be benign by multiple in silico algorithms, and/or has population frequency not consistent with disease.

Breakthrough Genomics
Classification: Benign. Review status: criteria provided, single submitter. Criteria: ACMG Guidelines, 2015. Collection method: not provided. Allele origin: germline. Inheritance: Autosomal recessive inheritance. Affected: yes.

PreventionGenetics, part of Exact Sciences
Classification: Benign for LAMB1-related condition. Last evaluated: 2019-05-31. Review status: no assertion criteria provided. Collection method: clinical testing. Allele origin: germline. Not counted in ClinVar's aggregate classification.
Comment: This variant is classified as benign based on ACMG/AMP sequence variant interpretation guidelines (Richards et al. 2015 PMID: 25741868, with internal and published modifications).

NM_002291.3(LAMB1):c.4888-8G>A

Gene: LAMB1 (laminin subunit beta 1; minus strand). Cytogenetic location: 7q31.1.
Variant type: single nucleotide variant.
Coding change: c.4888-8G>A on transcript NM_002291.3 (MANE Select); 8 bases into the intron before coding-DNA position 4888, G replaced by A.
Molecular consequence: intron variant.
Genome position (GRCh38, 1-based): chr7:107,926,367, C>T on the plus strand (G>A on the coding strand, the complement: LAMB1 is on the minus strand). VCF-style: chr7-107926367-C-T. GRCh37 (hg19) VCF-style: chr7-107566812-C-T.
Identifiers: ClinVar variation 516912 (VCV000516912.15), dbSNP rs75573969, ClinGen allele CA4434900.
Genomic context (GRCh38, chr7:107,926,367, plus strand): 5'-CGCTGGGACGCGTTGAACAAGGTTTCCTCAGAAGCTGCTGTTTCAGACTCAATCTAAAAG[C>T]ATGTCAATTTTCCAGCAAGACATTAGTTTAAGAAATGGAATTACTATGAGTACAAGTTTG-3'